The following is an entry in ClinVar:

ClinVar aggregate classification (germline): Uncertain significance (1 of 4 stars; one submission).

Conditions:
Familial thoracic aortic aneurysm and aortic dissection (TAAD). Also called: Thoracic aortic aneurysms and dissections. Identifiers: Orphanet 91387, MedGen C4707243, MONDO:0019625.

gnomAD v4.1: 3 of 1,613,828 alleles (0.00019%); highest among the groups gnomAD compares: Non-Finnish European, 0.00025%; no homozygotes.

Submission:

Ambry Genetics
Classification: Uncertain significance for Familial thoracic aortic aneurysm and aortic dissection. Last evaluated: 2025-01-30. Review status: criteria provided, single submitter. Criteria: Ambry Variant Classification Scheme 2023. Collection method: clinical testing. Allele origin: germline.
Comment: The c.6880+3A>G intronic variant results from an A to G substitution 3 nucleotides after coding exon 54 in the FBN2 gene. This nucleotide position is well conserved in available vertebrate species. In silico splice site analysis for this alteration is inconclusive. Based on the available evidence, the clinical significance of this variant remains unclear.

NM_001999.4(FBN2):c.6880+3A>G

Gene: FBN2 (fibrillin 2; minus strand). Cytogenetic location: 5q23.3.
Variant type: single nucleotide variant.
Coding change: c.6880+3A>G on transcript NM_001999.4 (MANE Select); 3 bases into the intron after coding-DNA position 6880, A replaced by G.
Molecular consequence: intron variant.
Genome position (GRCh38, 1-based): chr5:128,287,305, T>C on the plus strand (A>G on the coding strand, the complement: FBN2 is on the minus strand). VCF-style: chr5-128287305-T-C. GRCh37 (hg19) VCF-style: chr5-127622997-T-C.
Identifiers: ClinVar variation 3849205 (VCV003849205.1).